The following is an entry in ClinVar:

ClinVar aggregate classification (germline): Uncertain significance. Review status: criteria provided, multiple submitters, no conflicts (2 of 4 stars). 8 submissions from 8 submitters: Uncertain significance (7). 1 of the submissions does not count toward it. Last evaluated 2026-06-24.

Conditions:
VPS13B-related disorder. Also called: VPS13B-related condition.
Inborn genetic diseases. Identifiers: MedGen C0950123, MeSH D030342.
Cohen syndrome (COH1). Also called: PEPPER SYNDROME; Cutis verticis gyrata, retinitis pigmentosa, and sensorineural deafness. Identifiers: Orphanet 193, MedGen C0265223, MONDO:0008999, OMIM 216550.

Allele frequency attached by ClinVar (database versions not stated): ExAC 0.00001; gnomAD 0.00001; gnomAD exomes 0.00001 and 0.00002; TOPMed 0.00002.
gnomAD v4.1: 20 of 1,613,814 alleles (0.0012%); highest among the groups gnomAD compares: Middle Eastern, 0.033%; no homozygotes.

Submissions (8):

PreventionGenetics, part of Exact Sciences
Classification: Uncertain significance for VPS13B-related condition. Last evaluated: 2026-06-24. Review status: criteria provided, single submitter. Criteria: ACMG Guidelines, 2015. Collection method: clinical testing. Allele origin: germline.
Comment: The VPS13B c.9551A>G variant is predicted to result in the amino acid substitution p.Glu3184Gly. To our knowledge, this variant has not been reported in the literature. This variant is reported in 0.0035% of alleles in individuals of European (Non-Finnish) descent in gnomAD. At this time, the clinical significance of this variant is uncertain due to the absence of conclusive functional and genetic evidence.

Ambry Genetics
Classification: Uncertain significance for Inborn genetic diseases. Last evaluated: 2024-12-10. Review status: criteria provided, single submitter. Criteria: Ambry Variant Classification Scheme 2023. Collection method: clinical testing. Allele origin: germline.

Labcorp Genetics (formerly Invitae), Labcorp
Classification: Uncertain significance for Cohen syndrome. Last evaluated: 2023-12-09. Review status: criteria provided, single submitter. Criteria: Invitae Variant Classification Sherloc (09022015). Collection method: clinical testing. Allele origin: germline.
Comment: This sequence change replaces glutamic acid, which is acidic and polar, with glycine, which is neutral and non-polar, at codon 3209 of the VPS13B protein (p.Glu3209Gly). This variant is present in population databases (rs772361332, gnomAD 0.004%). This variant has not been reported in the literature in individuals affected with VPS13B-related conditions. ClinVar contains an entry for this variant (Variation ID: 197938). Advanced modeling of protein sequence and biophysical properties (such as structural, functional, and spatial information, amino acid conservation, physicochemical variation, residue mobility, and thermodynamic stability) performed at Invitae indicates that this missense variant is not expected to disrupt VPS13B protein function with a negative predictive value of 80%. In summary, the available evidence is currently insufficient to determine the role of this variant in disease. Therefore, it has been classified as a Variant of Uncertain Significance.

Genetic Services Laboratory, University of Chicago
Classification: Uncertain significance. Last evaluated: 2020-04-30. Review status: criteria provided, single submitter. Criteria: ACMG Guidelines, 2015. Collection method: clinical testing. Allele origin: germline. Affected: no.
Comment: DNA sequence analysis of the VPS13B gene demonstrated a sequence change, c.9626A>G, in exon 52 that results in an amino acid change, p.Glu3209Gly. This sequence change has been described in the EXAC database with a low population frequency of 0.001592 (dbSNP rs772361332). The p.Glu3209Gly change affects a moderately conserved amino acid residue located in a domain of the VPS13B protein that is not known to be functional. In-silico pathogenicity prediction tools (SIFT, PolyPhen2, Align GVGD, REVEL) provide contradictory results for the p.Glu3209Gly substitution. This sequence change does not appear to have been previously described in patients with VPS13B-related disorders. Due to these contrasting evidences and the lack of sufficient data, the clinical significance of the p.Glu3209Gly change remains unknown at this time.

GeneDx
Classification: Uncertain significance. Last evaluated: 2019-05-28. Review status: criteria provided, single submitter. Criteria: GeneDx Variant Classification Process June 2021. Collection method: clinical testing. Allele origin: germline. Affected: yes.
Comment: Not observed at a significant frequency in large population cohorts (Lek et al., 2016); In silico analysis, which includes protein predictors and evolutionary conservation, supports that this variant does not alter protein structure/function; Has not been previously published as pathogenic or benign to our knowledge

Eurofins Ntd Llc (ga)
Classification: Uncertain significance. Last evaluated: 2014-12-23. Review status: criteria provided, single submitter. Criteria: EGL Classification Definitions 2015. Collection method: clinical testing. Allele origin: germline. Observed: 1 variant allele, 1 heterozygote.

Breakthrough Genomics
Classification: Uncertain significance. Review status: criteria provided, single submitter. Criteria: ACMG Guidelines, 2015. Collection method: not provided. Allele origin: germline. Inheritance: Autosomal recessive inheritance. Affected: yes.

Natera, Inc.
Classification: Uncertain significance for Cohen syndrome. Last evaluated: 2019-11-11. Review status: no assertion criteria provided. Collection method: clinical testing. Allele origin: germline. Not counted in ClinVar's aggregate classification.

NM_152564.5(VPS13B):c.9551A>G (p.Glu3184Gly)

Gene: VPS13B (vacuolar protein sorting 13 homolog B; plus strand). Cytogenetic location: 8q22.2.
Variant type: single nucleotide variant.
Coding change: c.9551A>G on transcript NM_152564.5 (MANE Select); coding-DNA position 9551, A replaced by G.
Protein change: p.Glu3184Gly; replaces glutamic acid 3184 with glycine.
Molecular consequence: missense variant.
Genome position (GRCh38, 1-based): chr8:99,832,589, A>G. VCF-style: chr8-99832589-A-G. GRCh37 (hg19) VCF-style: chr8-100844817-A-G.
Other names: c.9626A>G (NM_017890.3); c.9626A>G, p.Glu3209Gly (NM_017890.5); c.9551A>G (NM_152564.4); short protein forms E3184G, E3209G.
Identifiers: ClinVar variation 197938 (VCV000197938.23), dbSNP rs772361332, ClinGen allele CA246333.